The following is an entry in ClinVar:

NM_025074.7(FRAS1):c.11901_11904dup (p.His3969Ter)

Gene: FRAS1 (Fraser extracellular matrix complex subunit 1; plus strand). Cytogenetic location: 4q21.21.
Variant type: Duplication.
Coding change: c.11901_11904dup on transcript NM_025074.7 (MANE Select); coding-DNA positions 11901 to 11904, 4 bases duplicated (TAGA; older notation c.11901_11904dupTAGA).
Protein change: p.His3969Ter; replaces histidine 3969 with a stop codon.
Molecular consequence: nonsense.
Genome position (GRCh38, 1-based): chr4:78,540,986-78,540,989, TAGA duplicated; duplicating any 4 consecutive bases within chr4:78,540,985-78,540,989 gives the same sequence; the c. name uses the placement nearest the transcript's 3' end. VCF-style (leftmost placement, unchanged base first): chr4-78540984-A-AATAG. GRCh37 (hg19) VCF-style: chr4-79462138-A-AATAG.
Other names: short protein forms H3969*.
Identifiers: ClinVar variation 1343711 (VCV001343711.1), dbSNP rs2109911879, ClinGen allele CA2573052358.

ClinVar aggregate classification (germline): Uncertain significance (1 of 4 stars; one submission).

Submission:

Women's Health and Genetics/Laboratory Corporation of America, LabCorp
Classification: Uncertain significance. Last evaluated: 2022-02-14. Review status: criteria provided, single submitter. Criteria: LabCorp Variant Classification Summary - May 2015. Collection method: clinical testing. Allele origin: germline.
Comment: Variant summary: FRAS1 c.11901_11904dupTAGA (p.His3969X) results in a premature termination codon, predicted to cause a truncation of the encoded protein or absence of the protein due to nonsense mediated decay, which are commonly known mechanisms for disease. Truncations downstream of this position have not been observed at our laboratory and have not been reported in association with FRAS1-Related Fraser Syndrome in the HGMD/LOVD databases. The variant was absent in 248472 control chromosomes. The available data on variant occurrences in the general population are insufficient to allow any conclusion about variant significance. To our knowledge, no occurrence of c.11901_11904dupTAGA in individuals affected with FRAS1-Related Fraser Syndrome/Cryptophthalmos Syndrome and no experimental evidence demonstrating its impact on protein function have been reported. No clinical diagnostic laboratories have submitted clinical-significance assessments for this variant to ClinVar after 2014. Based on the evidence outlined above, the variant was classified as uncertain significance.